The following is an entry in ClinVar:

NM_001004726.1(OR4X1):c.690G>A (p.Gly230=)

Gene: OR4X1 (olfactory receptor family 4 subfamily X member 1; plus strand). Cytogenetic location: 11p11.2.
Variant type: single nucleotide variant.
Coding change: c.690G>A on transcript NM_001004726.1 (MANE Select); coding-DNA position 690, G replaced by A.
Protein change: p.Gly230=; no amino-acid change (glycine 230 retained).
Molecular consequence: synonymous variant.
Genome position (GRCh38, 1-based): chr11:48,264,550, G>A. VCF-style: chr11-48264550-G-A. GRCh37 (hg19) VCF-style: chr11-48286102-G-A.
Identifiers: ClinVar variation 2641775 (VCV002641775.24), dbSNP rs1332103835, ClinGen allele CA474436966.
Genomic context (GRCh38, chr11:48,264,550, plus strand): 5'-CGTGCTGATGGCTTCCTACCTGATCATCCTGCACTTCCTGAGAAGCCACAACTTGGAGGG[G>A]CAGCACAAGGCCCTCTCCACCTGTGCCTCTCATGTCACAGTTGTCGACCTGTTCTTCATA-3'
Protein context (NP_001004726.1, residues 220-240): LHFLRSHNLE[Gly230=]QHKALSTCAS

ClinVar aggregate classification (germline): Likely benign (1 of 4 stars; one submission).

Allele frequency attached by ClinVar (database versions not stated): TOPMed 0.00001.

Submission:

CeGaT Center for Human Genetics Tuebingen
Classification: Likely benign. Last evaluated: 2023-01-01. Review status: criteria provided, single submitter. Criteria: CeGaT Center For Human Genetics Tuebingen Variant Classification Criteria Version 2. Collection method: clinical testing. Allele origin: germline. Affected: yes. Observed: 1 variant allele.
Comment: OR4X1: BP4, BP7